The following is an entry in ClinVar:

ClinVar aggregate classification (germline): Conflicting classifications of pathogenicity. Review status: criteria provided, conflicting classifications (1 of 4 stars). 2 submissions from 2 submitters: Uncertain significance (1); Likely benign (1). Last evaluated 2022-09-01.

Allele frequency attached by ClinVar (database versions not stated): gnomAD 0.00002; gnomAD exomes 0.00002; TOPMed 0.00003.
gnomAD v4.1: 31 of 1,499,946 alleles (0.0021%); highest among the groups gnomAD compares: Non-Finnish European, 0.0028%; no homozygotes.

Submissions (2):

Blueprint Genetics
Classification: Likely benign. Last evaluated: 2022-09-01. Review status: criteria provided, single submitter. Criteria: ACMG Guidelines, 2015. Collection method: clinical testing. Allele origin: germline.

Labcorp Genetics (formerly Invitae), Labcorp
Classification: Uncertain significance. Last evaluated: 2022-04-16. Review status: criteria provided, single submitter. Criteria: Invitae Variant Classification Sherloc (09022015). Collection method: clinical testing. Allele origin: germline.
Comment: This sequence change falls in intron 16 of the EYS gene. It does not directly change the encoded amino acid sequence of the EYS protein. This variant is present in population databases (no rsID available, gnomAD 0.002%). This variant has not been reported in the literature in individuals affected with EYS-related conditions. Algorithms developed to predict the effect of sequence changes on RNA splicing suggest that this variant may create or strengthen a splice site. In summary, the available evidence is currently insufficient to determine the role of this variant in disease. Therefore, it has been classified as a Variant of Uncertain Significance.

NM_001142800.2(EYS):c.2642-9T>G

Gene: EYS (EGF-like photoreceptor maintenance factor; minus strand). Cytogenetic location: 6q12.
Variant type: single nucleotide variant.
Coding change: c.2642-9T>G on transcript NM_001142800.2 (MANE Select); 9 bases into the intron before coding-DNA position 2642, T replaced by G.
Molecular consequence: intron variant.
Genome position (GRCh38, 1-based): chr6:64,902,509, A>C on the plus strand (T>G on the coding strand, the complement: EYS is on the minus strand). VCF-style: chr6-64902509-A-C. GRCh37 (hg19) VCF-style: chr6-65612402-A-C.
Other names: c.2642-9T>G (NM_001292009.2).
Identifiers: ClinVar variation 2057289 (VCV002057289.2), dbSNP rs914738775, ClinGen allele CA140379046.
Genomic context (GRCh38, chr6:64,902,509, plus strand): 5'-GAAAGGAAGAGGCAGTCTTTCACATCAATTTCACAGTTTTTACCTTCAAATTCTGCAAAG[A>C]GTATGAGATGAGTATGGATGAGCAATCCTTGTTATAGAGTAAAAAAATCAGAATCAGTGG-3'